The following is an entry in ClinVar:

ClinVar aggregate classification (germline): Pathogenic (1 of 4 stars; one submission).

Submission:

Labcorp Genetics (formerly Invitae), Labcorp
Classification: Pathogenic. Last evaluated: 2021-05-06. Review status: criteria provided, single submitter. Criteria: Invitae Variant Classification Sherloc (09022015). Collection method: clinical testing. Allele origin: germline.
Comment: For these reasons, this variant has been classified as Pathogenic. This variant has not been reported in the literature in individuals with RUSC2-related conditions. This variant is not present in population databases (ExAC no frequency). This sequence change creates a premature translational stop signal (p.Trp1344*) in the RUSC2 gene. It is expected to result in an absent or disrupted protein product. Loss-of-function variants in RUSC2 are known to be pathogenic (PMID: 27612186).

Literature cited by the submitters: PubMed 27612186.

NM_014806.5(RUSC2):c.4032G>A (p.Trp1344Ter)

Gene: RUSC2 (RUN and SH3 domain containing 2; plus strand). Cytogenetic location: 9p13.3.
Variant type: single nucleotide variant.
Coding change: c.4032G>A on transcript NM_014806.5 (MANE Select); coding-DNA position 4032, G replaced by A.
Protein change: p.Trp1344Ter; replaces tryptophan 1344 with a stop codon.
Molecular consequence: nonsense. On other transcripts: non-coding transcript variant (1).
Genome position (GRCh38, 1-based): chr9:35,560,672, G>A. VCF-style: chr9-35560672-G-A. GRCh37 (hg19) VCF-style: chr9-35560669-G-A.
Other names: c.4032G>A, p.Trp1344Ter (NM_001135999.2); c.1398G>A, p.Trp466Ter (NM_001330740.2); short protein forms W466*, W1344*.
Identifiers: ClinVar variation 1369646 (VCV001369646.6), dbSNP rs2131707574, ClinGen allele CA373356165.